The following is an entry in ClinVar:

NM_001470.4(GABBR1):c.1901C>T (p.Ala634Val)

Gene: GABBR1 (gamma-aminobutyric acid type B receptor subunit 1; minus strand). Cytogenetic location: 6p22.1.
Variant type: single nucleotide variant.
Coding change: c.1901C>T on transcript NM_001470.4 (MANE Select); coding-DNA position 1901, C replaced by T.
Protein change: p.Ala634Val; replaces alanine 634 with valine.
Molecular consequence: missense variant.
Genome position (GRCh38, 1-based): chr6:29,608,692, G>A on the plus strand (C>T on the coding strand, the complement: GABBR1 is on the minus strand). VCF-style: chr6-29608692-G-A. GRCh37 (hg19) VCF-style: chr6-29576469-G-A.
Other names: c.1370C>T, p.Ala457Val (NM_001319053.2); c.1550C>T, p.Ala517Val (NM_021903.3); c.1715C>T, p.Ala572Val (NM_021904.4); short protein forms A457V, A517V, A572V, A634V.
Identifiers: ClinVar variation 2576621 (VCV002576621.2), dbSNP rs2482835205, ClinGen allele CA363032804.

ClinVar aggregate classification (germline): Uncertain significance (1 of 4 stars; one submission).

Conditions:
GABBR1-associated neurodevelopmental disorder.

Submission:

Institute of Human Genetics, University of Leipzig Medical Center
Classification: Uncertain significance for GABBR1-associated neurodevelopmental disorder. Last evaluated: 2023-06-29. Review status: criteria provided, single submitter. Criteria: ACMG Guidelines, 2015. Collection method: clinical testing. Allele origin: maternal. Inheritance: Autosomal dominant inheritance. Affected: yes.
Comment: Criteria applied: PM2_SUP,PP2,PP3